The following is an entry in ClinVar:

ClinVar aggregate classification (germline): Pathogenic/Likely pathogenic. Review status: criteria provided, multiple submitters, no conflicts (2 of 4 stars). 2 submissions from 2 submitters: Pathogenic (1); Likely pathogenic (1). Last evaluated 2025-12-03.

Conditions:
Muscular dystrophy, limb-girdle, autosomal recessive 29. Identifiers: MedGen C5935611, MONDO:0971171, OMIM 620793.

Submissions (2):

Broad Center for Mendelian Genomics, Broad Institute of MIT and Harvard
Classification: Pathogenic for Muscular dystrophy, limb-girdle, autosomal recessive 29. Last evaluated: 2025-12-03. Review status: criteria provided, single submitter. Criteria: ACMG Guidelines, 2015. Collection method: curation. Allele origin: germline. Inheritance: Autosomal recessive inheritance. Study: GREGoR Consortium.
Comment: Trio genome analysis revealed that this variant was in trans with the other variant. This variant has been reported in 3 individuals with muscular dystrophy, limb-girdle, autosomal recessive 29 (PMID: 38413582), and has been identified in 0.008% (5/60008) of Admixed American chromosomes by the Genome Aggregation Database (gnomAD). Although this variant has been seen in the general population in a heterozygous state, its frequency is low enough to be consistent with a recessive carrier frequency. This variant has also been reported in ClinVar (Variation ID:4082783) and has been interpreted as likely pathogenic by GeneDx. Of the 3 affected individuals, all were homozygotes, which increases the likelihood that the p.Tyr301CysfsTer29 variant is pathogenic (PMID: 38413582). In vitro functional studies provide some evidence that the p.Tyr301CysfsTer29 variant may impact protein function (PMID: 38413582). However, these types of assays may not accurately represent biological function. This variant is predicted to cause a frameshift, which alters the protein’s amino acid sequence beginning at position 301 and leads to a premature termination codon 29 amino acids downstream. This termination codon occurs within the last exon and is more likely to escape nonsense mediated decay (NMD) and result in a truncated protein. Loss of function of the SNUPN gene is an established disease mechanism in autosomal recessive muscular dystrophy, limb-girdle, autosomal recessive 29. In summary, this variant meets criteria to be classified as pathogenic for autosomal recessive muscular dystrophy, limb-girdle, autosomal recessive 29. ACMG/AMP Criteria applied: PM3_strong, PVS1_strong, PS3_moderate, PM2_supporting (Richards 2015).

GeneDx
Classification: Likely pathogenic. Last evaluated: 2025-03-02. Review status: criteria provided, single submitter. Criteria: GeneDx Variant Classification Process June 2021. Collection method: clinical testing. Allele origin: germline. Affected: yes.
Comment: Published functional studies demonstrate a damaging effect, specifically failure to oligomerize leading to cytoplasmic aggregation (PMID: 38413582); Frameshift variant predicted to result in abnormal protein length as the last 60 amino acid(s) are replaced with 28 different amino acid(s); This variant is associated with the following publications: (PMID: 38413582)

Literature cited by the submitters: PubMed 38413582 (cited by Broad Center for Mendelian Genomics, Broad Institute of MIT and Harvard).

NM_005701.4(SNUPN):c.902_903del (p.Tyr301fs)

Gene: SNUPN (snurportin 1; minus strand). Cytogenetic location: 15q24.2.
Variant type: Deletion.
Coding change: c.902_903del on transcript NM_005701.4 (MANE Select); coding-DNA positions 902 to 903, 2 bases deleted (AT; older notation c.902_903delAT).
Protein change: p.Tyr301fs; shifts the reading frame from tyrosine 301.
Molecular consequence: frameshift variant.
Genome position (GRCh38, 1-based): chr15:75,598,538-75,598,539, AT deleted on the plus strand (AT on the coding strand, the reverse complement: SNUPN is on the minus strand); deleting any 2 consecutive bases within chr15:75,598,538-75,598,540 gives the same sequence; the c. name uses the placement nearest the transcript's 3' end. VCF-style (leftmost placement, unchanged base first): chr15-75598537-CAT-C. GRCh37 (hg19) VCF-style: chr15-75890878-CAT-C.
Other names: NM_005701.4(SNUPN):c.902_903del; p.Tyr301fs; c.902_903del, p.Tyr301fs (NM_001042581.2, NM_001042588.2); short protein forms Y301fs.
Identifiers: ClinVar variation 4082783 (VCV004082783.2).